The following is an entry in ClinVar:

NM_170606.3(KMT2C):c.10270G>A (p.Ala3424Thr)

Gene: KMT2C (lysine methyltransferase 2C; minus strand). Cytogenetic location: 7q36.1.
Variant type: single nucleotide variant.
Coding change: c.10270G>A on transcript NM_170606.3 (MANE Select); coding-DNA position 10270, G replaced by A.
Protein change: p.Ala3424Thr; replaces alanine 3424 with threonine.
Molecular consequence: missense variant.
Genome position (GRCh38, 1-based): chr7:152,163,307, C>T on the plus strand (G>A on the coding strand, the complement: KMT2C is on the minus strand). VCF-style: chr7-152163307-C-T. GRCh37 (hg19) VCF-style: chr7-151860392-C-T.
Other names: c.10270G>A (NM_170606.2); short protein forms A3424T.
Identifiers: ClinVar variation 1476608 (VCV001476608.13), dbSNP rs776155729, ClinGen allele CA4579323.

ClinVar aggregate classification (germline): Conflicting classifications of pathogenicity. Review status: criteria provided, conflicting classifications (1 of 4 stars). 4 submissions from 4 submitters: Uncertain significance (1); Benign (1); Likely benign (2). Last evaluated 2026-09-01.

Conditions:
Kleefstra syndrome 2 (KLEFS2). Identifiers: MedGen C4540395, MONDO:0054701, OMIM 617768.
Inborn genetic diseases. Identifiers: MedGen C0950123, MeSH D030342.

Allele frequency attached by ClinVar (database versions not stated): gnomAD exomes 0.00005 and 0.00009; TOPMed 0.00005; ExAC 0.00007.
gnomAD v4.1: 29 of 1,614,204 alleles (0.0018%); highest among the groups gnomAD compares: Admixed American, 0.043%; no homozygotes.

Submissions (4):

CeGaT Center for Human Genetics Tuebingen
Classification: Likely benign. Last evaluated: 2026-09-01. Review status: criteria provided, single submitter. Criteria: CeGaT Center For Human Genetics Tuebingen Variant Classification Criteria Version 2. Collection method: clinical testing. Allele origin: germline. Affected: yes. Observed: 1 variant allele.
Comment: KMT2C: BP4, BS2

Labcorp Genetics (formerly Invitae), Labcorp
Classification: Benign. Last evaluated: 2026-01-12. Review status: criteria provided, single submitter. Criteria: Invitae Variant Classification Sherloc (09022015). Collection method: clinical testing. Allele origin: germline.

Ambry Genetics
Classification: Likely benign for Inborn genetic diseases. Last evaluated: 2025-10-02. Review status: criteria provided, single submitter. Criteria: Ambry Variant Classification Scheme 2023. Collection method: clinical testing. Allele origin: germline.

Revvity Omics, Revvity
Classification: Uncertain significance for Kleefstra syndrome 2. Last evaluated: 2019-04-23. Review status: criteria provided, single submitter. Criteria: ACMG Guidelines, 2015. Collection method: clinical testing. Allele origin: germline.